The following is an entry in ClinVar:

ClinVar aggregate classification (germline): Pathogenic. Review status: criteria provided, multiple submitters, no conflicts (2 of 4 stars). 2 submissions from 2 submitters: Pathogenic (2). Last evaluated 2026-10-20.

Conditions:
RASopathy. Also called: Noonan spectrum disorder; rasopathies. Identifiers: Orphanet 536391, MedGen C5555857, MONDO:0021060.

Submissions (2):

GeneDx
Classification: Pathogenic. Last evaluated: 2026-10-20. Review status: criteria provided, single submitter. Criteria: GeneDx Variant Classification Process June 2021. Collection method: clinical testing. Allele origin: germline.
Comment: Not observed at significant frequency in large population cohorts (gnomAD); Missense variants in this gene are a common cause of disease and they are underrepresented in the general population; In silico analysis supports that this missense variant has a deleterious effect on protein structure/function; This variant is associated with the following publications: (PMID: 24803665, 25348715, 31475041, 22495831, 39934281)

Labcorp Genetics (formerly Invitae), Labcorp
Classification: Pathogenic for RASopathy. Last evaluated: 2021-05-21. Review status: criteria provided, single submitter. Criteria: Invitae Variant Classification Sherloc (09022015). Collection method: clinical testing. Allele origin: germline.
Comment: This sequence change replaces valine with phenylalanine at codon 471 of the BRAF protein (p.Val471Phe). The valine residue is highly conserved and there is a small physicochemical difference between valine and phenylalanine. This variant is not present in population databases (ExAC no frequency). This variant has been observed in individual(s) affected with cardio-facio-cutaneous (CFC) syndrome and RASopathy spectrum disorders (PMID: 22495831, 31475041, Invitae). ClinVar contains an entry for this variant (Variation ID: 40367). Advanced modeling of protein sequence and biophysical properties (such as structural, functional, and spatial information, amino acid conservation, physicochemical variation, residue mobility, and thermodynamic stability) performed at Invitae indicates that this missense variant is expected to disrupt BRAF protein function. Experimental studies have shown that this variant affects BRAF protein function (PMID: 25348715). For these reasons, this variant has been classified as Pathogenic.

Literature cited by the submitters: PubMed 22495831 (cited by Labcorp Genetics (formerly Invitae), Labcorp); PubMed 31475041 (cited by Labcorp Genetics (formerly Invitae), Labcorp); PubMed 25348715 (cited by Labcorp Genetics (formerly Invitae), Labcorp).

NM_004333.6(BRAF):c.1411G>T (p.Val471Phe)

Gene: BRAF (B-Raf proto-oncogene, serine/threonine kinase; minus strand). Cytogenetic location: 7q34.
Variant type: single nucleotide variant.
Coding change: c.1411G>T on transcript NM_004333.6 (MANE Select); coding-DNA position 1411, G replaced by T.
Protein change: p.Val471Phe; replaces valine 471 with phenylalanine.
Molecular consequence: missense variant.
Genome position (GRCh38, 1-based): chr7:140,781,597, C>A on the plus strand (G>T on the coding strand, the complement: BRAF is on the minus strand). VCF-style: chr7-140781597-C-A. GRCh37 (hg19) VCF-style: chr7-140481397-C-A.
Other names: p.V471F:GTC>TTC; c.1411G>T, p.Val471Phe (NM_001354609.2, NM_001378468.1, NM_001378474.1); c.1531G>T, p.Val511Phe (NM_001374244.1, NM_001374258.1); c.1420G>T, p.Val474Phe (NM_001378467.1); c.1345G>T, p.Val449Phe (NM_001378469.1); c.1309G>T, p.Val437Phe (NM_001378470.1); c.1300G>T, p.Val434Phe (NM_001378471.1); c.1255G>T, p.Val419Phe (NM_001378472.1, NM_001378473.1); and 1 more; short protein forms V471F, V383F, V419F, V434F, V437F, V449F, V474F, V511F.
Identifiers: ClinVar variation 40367 (VCV000040367.14), dbSNP rs121913376, ClinGen allele CA281968.
Genomic context (GRCh38, chr7:140,781,597, plus strand): 5'-ATTATGACTTGTCACAATGTCACCACATTACATACTTACCATGCCACTTTCCCTTGTAGA[C>A]TGTTCCAAATGATCCAGATCCAATTCTTTGTCCCACTGTAATCTGCCCATCAGGAATCTC-3'
Protein context (NP_004324.2, residues 461-481): QRIGSGSFGT[Val471Phe]YKGKWHGDVA